The following is an entry in ClinVar:

NM_022089.4(ATP13A2):c.745G>A (p.Ala249Thr)

Gene: ATP13A2 (ATPase cation transporting 13A2; minus strand). Cytogenetic location: 1p36.13.
Variant type: single nucleotide variant.
Coding change: c.745G>A on transcript NM_022089.4 (MANE Select); coding-DNA position 745, G replaced by A.
Protein change: p.Ala249Thr; replaces alanine 249 with threonine.
Molecular consequence: missense variant.
Genome position (GRCh38, 1-based): chr1:17,000,495, C>T on the plus strand (G>A on the coding strand, the complement: ATP13A2 is on the minus strand). VCF-style: chr1-17000495-C-T. GRCh37 (hg19) VCF-style: chr1-17326990-C-T.
Other names: c.730G>A, p.Ala244Thr (NM_001141973.3, NM_001141974.3); short protein forms A249T, A244T.
Identifiers: ClinVar variation 533808 (VCV000533808.13), dbSNP rs199661793, ClinGen allele CA637500.

ClinVar aggregate classification (germline): Conflicting classifications of pathogenicity. Review status: criteria provided, conflicting classifications (1 of 4 stars). 4 submissions from 4 submitters: Uncertain significance (3); Likely benign (1). Last evaluated 2025-12-31.

Conditions:
Autosomal recessive spastic paraplegia type 78. Identifiers: Orphanet 513436, MedGen C5567893, MONDO:0014975, OMIM 617225.
Kufor-Rakeb syndrome (KRS). Also called: PARKINSON DISEASE 9, AUTOSOMAL RECESSIVE, JUVENILE-ONSET. Identifiers: Orphanet 306674, Orphanet 314632, MedGen C1847640, MONDO:0011706, OMIM 606693.

Allele frequency attached by ClinVar (database versions not stated): gnomAD exomes 0.00004; gnomAD 0.00006; TOPMed 0.00008; ExAC 0.00012; 1000 Genomes Project 30x 0.00047; 1000 Genomes Project 0.00060.
gnomAD v4.1: 89 of 1,614,028 alleles (0.0055%); highest among the groups gnomAD compares: East Asian, 0.13%; no homozygotes.

Submissions (4):

Labcorp Genetics (formerly Invitae), Labcorp
Classification: Likely benign for Kufor-Rakeb syndrome; Autosomal recessive spastic paraplegia type 78. Last evaluated: 2025-12-31. Review status: criteria provided, single submitter. Criteria: Invitae Variant Classification Sherloc (09022015). Collection method: clinical testing. Allele origin: germline.

Fulgent Genetics
Classification: Uncertain significance for Kufor-Rakeb syndrome; Autosomal recessive spastic paraplegia type 78. Last evaluated: 2024-03-12. Review status: criteria provided, single submitter. Criteria: ACMG Guidelines, 2015. Collection method: clinical testing. Allele origin: germline.

Revvity Omics, Revvity
Classification: Uncertain significance. Last evaluated: 2022-04-19. Review status: criteria provided, single submitter. Criteria: ACMG Guidelines, 2015. Collection method: clinical testing. Allele origin: germline.

GeneDx
Classification: Uncertain significance. Last evaluated: 2019-03-07. Review status: criteria provided, single submitter. Criteria: GeneDx Variant Classification Process June 2021. Collection method: clinical testing. Allele origin: germline. Affected: yes.
Comment: In silico analysis, which includes protein predictors and evolutionary conservation, supports that this variant does not alter protein structure/function; Has not been previously published as pathogenic or benign to our knowledge; This variant is associated with the following publications: (PMID: 32668055)